The following is an entry in ClinVar:

ClinVar aggregate classification (germline): Pathogenic (0 of 4 stars; one submission).

Conditions:
Carcinoma of colon (CRC). Also called: Colonic carcinoma; Colon carcinoma. Identifiers: MedGen C0699790, MONDO:0002032.

Submission:

Department of Pathology and Laboratory Medicine, Sinai Health System
Classification: Pathogenic for Carcinoma of colon. Review status: no assertion criteria provided. Collection method: clinical testing. Allele origin: unknown. Affected: yes. Observed: 1 variant allele. Study: The Canadian Open Genetics Repository (COGR).
Comment: The APC p.Glu202AsnfsX3 variant was not identified in the literature nor was it identified in dbSNP, Clinvitae database, COSMIC, InSiGHT Colon Cancer Gene Variant Database (LOVD), Zhejiang Colon Cancer Database (LOVD), ClinVar database, GeneInsight-COGR database, UMD, the 1000 Genomes Project, NHLBI GO Exome Sequencing Project, or the Exome Aggregation Consortium database (August 8, 2016). The c.604delG variant is predicted to cause a frameshift, which alters the protein's amino acid sequence beginning at codon 202 and leads to a premature stop codon 3 codons downstream. This alteration is then predicted to result in a truncated or absent protein and loss of function. Loss of function variants of the APC gene are an established mechanism of disease in familial adenomatous polyposis and is the type of variant expected to cause the disorder. In summary, based on the above information, this variant meets our laboratoryâ€šÃ„Ã´s criteria to be classified as pathogenic.

NM_000038.6(APC):c.604del (p.Glu202fs)

Gene: APC (APC regulator of Wnt signaling pathway; plus strand). Cytogenetic location: 5q22.2.
Variant type: Deletion.
Coding change: c.604del on transcript NM_000038.6 (MANE Select); coding-DNA position 604, one base deleted (G; older notation c.604delG).
Protein change: p.Glu202fs; shifts the reading frame from glutamic acid 202.
Molecular consequence: frameshift variant. On other transcripts: 5 prime UTR variant (1).
Genome position (GRCh38, 1-based): chr5:112,780,862, G deleted. VCF-style (leftmost placement, unchanged base first): chr5-112780861-AG-A. GRCh37 (hg19) VCF-style: chr5-112116558-AG-A.
Other names: c.604del, p.Glu202fs (NM_001127510.3, NM_001354895.2, NM_001354896.2 and 2 more transcripts); c.634del, p.Glu212fs (NM_001127511.3, NM_001354897.2, NM_001354902.2); c.529del, p.Glu177fs (NM_001354898.2, NM_001354904.2); c.427del, p.Glu143fs (NM_001354900.2, NM_001354901.2, NM_001354905.2); c.-432del (NM_001354906.2); short protein forms E143fs, E177fs, E202fs, E212fs.
Identifiers: ClinVar variation 1050722 (VCV001050722.1), dbSNP rs2149640346, ClinGen allele CA2499217411.